The following is an entry in ClinVar:

NM_001376.5(DYNC1H1):c.3460G>A (p.Glu1154Lys)

Gene: DYNC1H1 (dynein cytoplasmic 1 heavy chain 1; plus strand). Cytogenetic location: 14q32.31.
Variant type: single nucleotide variant.
Coding change: c.3460G>A on transcript NM_001376.5 (MANE Select); coding-DNA position 3460, G replaced by A.
Protein change: p.Glu1154Lys; replaces glutamic acid 1154 with lysine.
Molecular consequence: missense variant.
Genome position (GRCh38, 1-based): chr14:101,995,196, G>A. VCF-style: chr14-101995196-G-A. GRCh37 (hg19) VCF-style: chr14-102461533-G-A.
Other names: short protein forms E1154K.
Identifiers: ClinVar variation 2585403 (VCV002585403.1), dbSNP rs2503715776, ClinGen allele CA391035138.
Genomic context (GRCh38, chr14:101,995,196, plus strand): 5'-GTGAACCCCAGCTCTGTGATGAAATACTCCCCTCTCTCTGAACAGTCCCGCCAAGAGTTG[G>A]AGCAGCACTCAGTAGACACGGCCAGCACCTCCGATGCAGTGACCTTCATCACCTATGTGC-3'
Protein context (NP_001367.2, residues 1144-1164): SQISKSRQEL[Glu1154Lys]QHSVDTASTS

ClinVar aggregate classification (germline): Uncertain significance (1 of 4 stars; one submission).

Conditions:
Charcot-Marie-Tooth disease axonal type 2O. Also called: CHARCOT-MARIE-TOOTH NEUROPATHY, AXONAL, TYPE 2O; CHARCOT-MARIE-TOOTH DISEASE, AXONAL, AUTOSOMAL DOMINANT, TYPE 2O; Charcot-Marie-Tooth Neuropathy Type 2O; Charcot-Marie-Tooth disease, axonal, type 20. Identifiers: Orphanet 284232, MedGen C3280220, MONDO:0013644, OMIM 614228.

Submission:

Neuberg Centre For Genomic Medicine, NCGM
Classification: Uncertain significance for Charcot-Marie-Tooth disease axonal type 2O. Review status: criteria provided, single submitter. Criteria: ACMG Guidelines, 2015. Collection method: clinical testing. Allele origin: germline. Inheritance: Autosomal dominant inheritance. Affected: yes.
Comment: The c.3460G>A (p.Glu1154Lys) missense variant in DYNC1H1 gene has not been reported previously as a pathogenic variant nor as a benign variant, to our knowledge. The p.Glu1154Lys variant is novel (not in any individuals) in gnomAD Exomes and 1000 Genomes. The amino acid Glu at position 1154 is changed to a Lys changing protein sequence and it might alter its composition and physico-chemical properties. The variant is predicted to be damaging by both SIFT and PolyPhen2. The residue is conserved across species. The amino acid change p.Glu1154Lys in DYNC1H1 is predicted as conserved by GERP++ and PhyloP across 100 vertebrates. For these reasons, this variant has been classified as Variant of Uncertain Significance (VUS).